The following is an entry in ClinVar:

NM_004991.4(MECOM):c.1969G>A (p.Ala657Thr)

Gene: MECOM (MDS1 and EVI1 complex locus; minus strand). Cytogenetic location: 3q26.2.
Variant type: single nucleotide variant.
Coding change: c.1969G>A on transcript NM_004991.4 (MANE Select); coding-DNA position 1969, G replaced by A.
Protein change: p.Ala657Thr; replaces alanine 657 with threonine.
Molecular consequence: missense variant. On other transcripts: intron variant (2).
Genome position (GRCh38, 1-based): chr3:169,115,903, C>T on the plus strand (G>A on the coding strand, the complement: MECOM is on the minus strand). VCF-style: chr3-169115903-C-T. GRCh37 (hg19) VCF-style: chr3-168833691-C-T.
Other names: c.1600G>A, p.Ala534Thr (NM_001105077.4); c.1405G>A, p.Ala469Thr (NM_001105078.4, NM_001164000.2, NM_001205194.2 and 4 more transcripts); c.1408G>A, p.Ala470Thr (NM_001163999.2, NM_001366467.2, NM_001366468.2 and 1 more transcripts); c.1969G>A, p.Ala657Thr (NM_001366466.2); c.1133-136G>A (NM_001366473.2); c.569-136G>A (NM_001366474.2); short protein forms A470T, A469T, A534T, A657T.
Identifiers: ClinVar variation 4105825 (VCV004105825.1).

ClinVar aggregate classification (germline): Uncertain significance (1 of 4 stars; one submission).

Conditions:
Inborn genetic diseases. Identifiers: MedGen C0950123, MeSH D030342.

Submission:

Ambry Genetics
Classification: Uncertain significance for Inborn genetic diseases. Last evaluated: 2025-08-03. Review status: criteria provided, single submitter. Criteria: Ambry Variant Classification Scheme 2023. Collection method: clinical testing. Allele origin: germline.
Comment: The p.A657T variant (also known as c.1969G>A), located in coding exon 8 of the MECOM gene, results from a G to A substitution at nucleotide position 1969. The alanine at codon 657 is replaced by threonine, an amino acid with similar properties. This amino acid position is conserved. In addition, this alteration is predicted to be tolerated by in silico analysis. Based on the available evidence, the clinical significance of this variant remains unclear.